The following is an entry in ClinVar:

NM_000400.4(ERCC2):c.1487G>C (p.Gly496Ala)

Gene: ERCC2 (ERCC excision repair 2, TFIIH core complex helicase subunit; minus strand). Cytogenetic location: 19q13.32.
Variant type: single nucleotide variant.
Coding change: c.1487G>C on transcript NM_000400.4 (MANE Select); coding-DNA position 1487, G replaced by C.
Protein change: p.Gly496Ala; replaces glycine 496 with alanine.
Molecular consequence: missense variant.
Genome position (GRCh38, 1-based): chr19:45,355,721, C>G on the plus strand (G>C on the coding strand, the complement: ERCC2 is on the minus strand). VCF-style: chr19-45355721-C-G. GRCh37 (hg19) VCF-style: chr19-45858979-C-G.
Other names: short protein forms G496A.
Identifiers: ClinVar variation 3231647 (VCV003231647.1), dbSNP rs2514008539, ClinGen allele CA406365970.

ClinVar aggregate classification (germline): Uncertain significance (1 of 4 stars; one submission).

Conditions:
Inborn genetic diseases. Identifiers: MedGen C0950123, MeSH D030342.

Submission:

Ambry Genetics
Classification: Uncertain significance for Inborn genetic diseases. Last evaluated: 2024-02-01. Review status: criteria provided, single submitter. Criteria: Ambry Variant Classification Scheme 2023. Collection method: clinical testing. Allele origin: germline.
Comment: The p.G496A variant (also known as c.1487G>C), located in coding exon 16 of the ERCC2 gene, results from a G to C substitution at nucleotide position 1487. The glycine at codon 496 is replaced by alanine, an amino acid with similar properties. This amino acid position is conserved. In addition, the in silico prediction for this alteration is inconclusive. Based on the available evidence, the clinical significance of this alteration remains unclear.